The following is an entry in ClinVar:

NM_000360.4(TH):c.97C>T (p.Arg33Trp)

Gene: TH (tyrosine hydroxylase; minus strand). Cytogenetic location: 11p15.5.
Variant type: single nucleotide variant.
Coding change: c.97C>T on transcript NM_000360.4 (MANE Select); coding-DNA position 97, C replaced by T.
Protein change: p.Arg33Trp; replaces arginine 33 with tryptophan.
Molecular consequence: missense variant.
Genome position (GRCh38, 1-based): chr11:2,169,865, G>A on the plus strand (C>T on the coding strand, the complement: TH is on the minus strand). VCF-style: chr11-2169865-G-A. GRCh37 (hg19) VCF-style: chr11-2191095-G-A.
Other names: c.190C>T (NM_199292.2); c.190C>T, p.Arg64Trp (NM_199292.3); c.178C>T, p.Arg60Trp (NM_199293.3); short protein forms R64W, R33W, R60W.
Identifiers: ClinVar variation 2084662 (VCV002084662.6), dbSNP rs1031644143, ClinGen allele CA216227846.

ClinVar aggregate classification (germline): Uncertain significance. Review status: criteria provided, multiple submitters, no conflicts (2 of 4 stars). 4 submissions from 4 submitters: Uncertain significance (4). Last evaluated 2025-02-03.

Conditions:
Inborn genetic diseases. Identifiers: MedGen C0950123, MeSH D030342.
TH-deficient dopa-responsive dystonia. Also called: Tyrosine Hydroxylase-Deficient Dopa-Responsive Dystonia; Segawa syndrome, autosomal recessive; DYT-TH. Identifiers: Orphanet 101150, MedGen C2673535, MONDO:0011551, OMIM 605407.

Allele frequency attached by ClinVar (database versions not stated): gnomAD exomes 0.00002; gnomAD 0.00015; TOPMed 0.00022.
gnomAD v4.1: 58 of 1,609,186 alleles (0.0036%); highest among the groups gnomAD compares: Admixed American, 0.037%; no homozygotes.

Submissions (4):

Labcorp Genetics (formerly Invitae), Labcorp
Classification: Uncertain significance for TH-deficient dopa-responsive dystonia. Last evaluated: 2025-02-03. Review status: criteria provided, single submitter. Criteria: Invitae Variant Classification Sherloc (09022015). Collection method: clinical testing. Allele origin: germline.
Comment: This sequence change replaces arginine, which is basic and polar, with tryptophan, which is neutral and slightly polar, at codon 64 of the TH protein (p.Arg64Trp). The frequency data for this variant in the population databases is considered unreliable, as metrics indicate poor data quality at this position in the gnomAD database. This variant has not been reported in the literature in individuals affected with TH-related conditions. ClinVar contains an entry for this variant (Variation ID: 2084662). Invitae Evidence Modeling of protein sequence and biophysical properties (such as structural, functional, and spatial information, amino acid conservation, physicochemical variation, residue mobility, and thermodynamic stability) has been performed for this missense variant. However, the output from this modeling did not meet the statistical confidence thresholds required to predict the impact of this variant on TH protein function. Algorithms developed to predict the effect of sequence changes on RNA splicing suggest that this variant may create or strengthen a splice site. In summary, the available evidence is currently insufficient to determine the role of this variant in disease. Therefore, it has been classified as a Variant of Uncertain Significance.

GeneDx
Classification: Uncertain significance. Last evaluated: 2024-10-04. Review status: criteria provided, single submitter. Criteria: GeneDx Variant Classification Process June 2021. Collection method: clinical testing. Allele origin: germline. Affected: yes.
Comment: Not observed at significant frequency in large population cohorts (gnomAD); In silico analysis indicates that this missense variant does not alter protein structure/function; Has not been previously published as pathogenic or benign to our knowledge

Blueprint Genetics
Classification: Uncertain significance. Last evaluated: 2024-07-11. Review status: criteria provided, single submitter. Criteria: ACMG Guidelines, 2015. Collection method: clinical testing. Allele origin: germline.

Ambry Genetics
Classification: Uncertain significance for Inborn genetic diseases. Last evaluated: 2023-04-14. Review status: criteria provided, single submitter. Criteria: Ambry Variant Classification Scheme 2023. Collection method: clinical testing. Allele origin: germline.